The following is an entry in ClinVar:

NM_000492.4(CFTR):c.3983T>C (p.Ile1328Thr)

Gene: CFTR (CF transmembrane conductance regulator; plus strand). Cytogenetic location: 7q31.2.
Variant type: single nucleotide variant.
Coding change: c.3983T>C on transcript NM_000492.4 (MANE Select); coding-DNA position 3983, T replaced by C.
Protein change: p.Ile1328Thr; replaces isoleucine 1328 with threonine.
Molecular consequence: missense variant.
Genome position (GRCh38, 1-based): chr7:117,664,707, T>C. VCF-style: chr7-117664707-T-C. GRCh37 (hg19) VCF-style: chr7-117304761-T-C.
Other names: short protein forms I1328T.
Identifiers: ClinVar variation 439080 (VCV000439080.18), dbSNP rs115762793, ClinGen allele CA4451605.

ClinVar aggregate classification (germline): Uncertain significance. Review status: criteria provided, multiple submitters, no conflicts (2 of 4 stars). 10 submissions from 10 submitters: Uncertain significance (9). 1 of the submissions does not count toward it. Last evaluated 2026-02-26.

Conditions:
CFTR-related disorder (CFTR-RD). Also called: CFTR-related condition; CFTR-related disorders. Identifiers: MedGen C5924204, MONDO:7770004.
Cystic fibrosis (CF). Also called: MUCOVISCIDOSIS. Identifiers: Orphanet 586, MedGen C0010674, MONDO:0009061, OMIM 219700. Disease mechanism: loss of function.

Allele frequency attached by ClinVar (database versions not stated): gnomAD 0.00002; gnomAD exomes 0.00002; TOPMed 0.00002; ExAC 0.00003; 1000 Genomes Project 30x 0.00016; 1000 Genomes Project 0.00020.
gnomAD v4.1: 35 of 1,613,942 alleles (0.0022%); highest among the groups gnomAD compares: South Asian, 0.0066%; no homozygotes.

Submissions (10):

PreventionGenetics, part of Exact Sciences
Classification: Uncertain significance for CFTR-related condition. Last evaluated: 2026-02-26. Review status: criteria provided, single submitter. Criteria: ACMG Guidelines, 2015. Collection method: clinical testing. Allele origin: germline.
Comment: The CFTR c.3983T>C variant is predicted to result in the amino acid substitution p.Ile1328Thr. This variant has been reported, along with a p.Phe508del variant in CFTR, in an individual who had a positive newborn screen but inconclusive diagnosis by sweat chloride testing (Ooi et al. 2015. PubMed ID: 25963003). This variant is reported in 0.010% of alleles in individuals of East Asian descent in gnomAD. At this time, the clinical significance of this variant is uncertain due to the absence of conclusive functional and genetic evidence.

Ambry Genetics
Classification: Uncertain significance for Cystic fibrosis. Last evaluated: 2025-07-11. Review status: criteria provided, single submitter. Criteria: Ambry Variant Classification Scheme 2023. Collection method: clinical testing. Allele origin: germline.
Comment: The p.I1328T variant (also known as c.3983T>C), located in coding exon 25 of the CFTR gene, results from a T to C substitution at nucleotide position 3983. The isoleucine at codon 1328 is replaced by threonine, an amino acid with similar properties. This variant was detected in an individual who had single-organ manifestation suggestive of cystic fibrosis; the individual also had p.R347P in the CFTR gene (Ooi CY et al. Thorax, 2012 Jul;67:618-24). This alteration was also described in an infant with a positive newborn screen based on elevated immunoreactive trypsinogen (IRT), subsequent normal sweat chloride levels, who was heterozygous for p.F508del (Ooi CY et al. Pediatrics, 2015 Jun;135:e1377-85). This amino acid position is highly conserved in available vertebrate species. In addition, this alteration is predicted to be deleterious by in silico analysis. Based on the available evidence, the clinical significance of this variant remains unclear.

Blueprint Genetics
Classification: Uncertain significance. Last evaluated: 2023-09-12. Review status: criteria provided, single submitter. Criteria: ACMG Guidelines, 2015. Collection method: clinical testing. Allele origin: germline.

ARUP Laboratories, Molecular Genetics and Genomics, ARUP Laboratories
Classification: Uncertain significance. Last evaluated: 2023-07-27. Review status: criteria provided, single submitter. Criteria: ARUP Molecular Germline Variant Investigation Process 2024. Collection method: clinical testing. Allele origin: germline.
Comment: The CFTR c.3983T>C; p.Ile1328Thr variant (rs115762793) is reported in the literature in an individual with a single-organ manifestation suggestive of CF (Ooi 2012), and in an infant with a positive newborn screen who was also heterozygous for F508del but had normal sweat chloride levels (Ooi 2015). The p.Ile1328Thr variant is also reported in the CFTR France database in an individual with congenital bilateral absence of the vas deferens (CBAVD; see link), and is reported in ClinVar (Variation ID: 439080). This variant is only found on five alleles in the Genome Aggregation Database, indicating it is not a common polymorphism. Computational analyses predict that this variant is deleterious (REVEL: 0.943). However, due to limited information, the clinical significance of this variant is uncertain at this time. References: CFTR France database link: Ooi CY et al. Comparing the American and European diagnostic guidelines for cystic fibrosis: same disease, different language? Thorax. 2012 Jul;67(7):618-24. PMID: 22504961. Ooi CY et al. Inconclusive diagnosis of cystic fibrosis after newborn screening. Pediatrics. 2015 Jun;135(6):e1377-85. PMID: 25963003.

Labcorp Genetics (formerly Invitae), Labcorp
Classification: Uncertain significance for Cystic fibrosis. Last evaluated: 2022-10-02. Review status: criteria provided, single submitter. Criteria: Invitae Variant Classification Sherloc (09022015). Collection method: clinical testing. Allele origin: germline.
Comment: This sequence change replaces isoleucine, which is neutral and non-polar, with threonine, which is neutral and polar, at codon 1328 of the CFTR protein (p.Ile1328Thr). This variant is present in population databases (rs115762793, gnomAD 0.006%). This missense change has been observed in individual(s) with an inconclusive diagnosis of cystic fibrosis (CF) via newborn screening (PMID: 25963003). ClinVar contains an entry for this variant (Variation ID: 439080). Algorithms developed to predict the effect of missense changes on protein structure and function (SIFT, PolyPhen-2, Align-GVGD) all suggest that this variant is likely to be disruptive. In summary, the available evidence is currently insufficient to determine the role of this variant in disease. Therefore, it has been classified as a Variant of Uncertain Significance.

Genome-Nilou Lab
Classification: Uncertain significance for Cystic fibrosis. Last evaluated: 2021-09-05. Review status: criteria provided, single submitter. Criteria: ACMG Guidelines, 2015. Collection method: clinical testing. Allele origin: germline. Affected: no.

Women's Health and Genetics/Laboratory Corporation of America, LabCorp
Classification: Uncertain significance. Last evaluated: 2019-03-06. Review status: criteria provided, single submitter. Criteria: LabCorp Variant Classification Summary - May 2015. Collection method: clinical testing. Allele origin: germline.
Comment: Variant summary: CFTR c.3983T>C (p.Ile1328Thr) results in a non-conservative amino acid change located in the ATPase domain (IPR003593) of the encoded protein sequence. Five of five in-silico tools predict a damaging effect of the variant on protein function. The variant allele was found at a frequency of 1.4e-05 in 276854 control chromosomes (gnomAD). The available data on variant occurrences in the general population are insufficient to allow any conclusion about variant significance. c.3983T>C has been reported in the literature found during newborn screening in an infant who also carried a known pathogenic variant (F508del) and was found to have normal sweat chloride levels (<30mmol/L) (Ooi 2015). Furthermore, Tamura et al. 2018 reported the variant in one patient with pancreatic cancer, but authors concluded that occurrence of variants in the CFTR gene did not correlate with incidence of pancreatic cancer in their study. These reports do not provide unequivocal conclusions about association of the variant with Chronic Pancreatitis Risk. A co-occurrence with a pathogenic variant has been reported in our internal database (SPINK1 c.101A>G (p.Asn34Ser)), providing supporting evidence for a benign role. To our knowledge, no experimental evidence demonstrating an impact on protein function has been reported. Two ClinVar submissions from clinical diagnostic laboratories (evaluation after 2014) cite the variant as uncertain significance. Based on the evidence outlined above, the variant was classified as uncertain significance.

Eurofins Ntd Llc (ga)
Classification: Uncertain significance. Last evaluated: 2017-02-17. Review status: criteria provided, single submitter. Criteria: EGL Classification Definitions 2015. Collection method: clinical testing. Allele origin: germline. Observed: 2 variant alleles, 2 heterozygotes.

Quest Diagnostics Nichols Institute San Juan Capistrano
Classification: Uncertain significance. Last evaluated: 2016-08-02. Review status: criteria provided, single submitter. Criteria: Quest Diagnostics criteria. Collection method: clinical testing. Allele origin: germline.

Natera, Inc.
Classification: Uncertain significance for CFTR-related disorders. Last evaluated: 2018-05-28. Review status: no assertion criteria provided. Collection method: clinical testing. Allele origin: germline. Not counted in ClinVar's aggregate classification.

Literature cited by the submitters: PubMed 22504961 (cited by Ambry Genetics); PubMed 25963003 (cited by 3 submitters).